The following is an entry in ClinVar:

ClinVar aggregate classification (germline): Uncertain significance. Review status: criteria provided, multiple submitters, no conflicts (2 of 4 stars). 2 submissions from 2 submitters: Uncertain significance (2). Last evaluated 2025-09-02.

Allele frequency attached by ClinVar (database versions not stated): TOPMed 0.00001.

Submissions (2):

Labcorp Genetics (formerly Invitae), Labcorp
Classification: Uncertain significance. Last evaluated: 2025-09-02. Review status: criteria provided, single submitter. Criteria: Invitae Variant Classification Sherloc (09022015). Collection method: clinical testing. Allele origin: germline.
Comment: This sequence change replaces aspartic acid, which is acidic and polar, with histidine, which is basic and polar, at codon 934 of the COL2A1 protein (p.Asp934His). This variant is not present in population databases (gnomAD no frequency). This missense change has been observed in individual(s) with clinical features of spondyloepimetaphyseal dysplasia (internal data). ClinVar contains an entry for this variant (Variation ID: 1488437). Invitae Evidence Modeling of protein sequence and biophysical properties (such as structural, functional, and spatial information, amino acid conservation, physicochemical variation, residue mobility, and thermodynamic stability) has been performed for this missense variant. However, the output from this modeling did not meet the statistical confidence thresholds required to predict the impact of this variant on COL2A1 protein function. In summary, the available evidence is currently insufficient to determine the role of this variant in disease. Therefore, it has been classified as a Variant of Uncertain Significance.

Blueprint Genetics
Classification: Uncertain significance. Last evaluated: 2022-01-15. Review status: criteria provided, single submitter. Criteria: ACMG Guidelines, 2015. Collection method: clinical testing. Allele origin: germline.

NM_001844.5(COL2A1):c.2800G>C (p.Asp934His)

Gene: COL2A1 (collagen type II alpha 1 chain; minus strand). Cytogenetic location: 12q13.11.
Variant type: single nucleotide variant.
Coding change: c.2800G>C on transcript NM_001844.5 (MANE Select); coding-DNA position 2800, G replaced by C.
Protein change: p.Asp934His; replaces aspartic acid 934 with histidine.
Molecular consequence: missense variant.
Genome position (GRCh38, 1-based): chr12:47,978,692, C>G on the plus strand (G>C on the coding strand, the complement: COL2A1 is on the minus strand). VCF-style: chr12-47978692-C-G. GRCh37 (hg19) VCF-style: chr12-48372475-C-G.
Other names: c.2593G>C, p.Asp865His (NM_033150.3); short protein forms D865H, D934H.
Identifiers: ClinVar variation 1488437 (VCV001488437.9), dbSNP rs1350090082, ClinGen allele CA384542278.